The following is an entry in ClinVar:

NM_001330260.2(SCN8A):c.3404G>A (p.Ser1135Asn)

Gene: SCN8A (sodium voltage-gated channel alpha subunit 8; plus strand). Cytogenetic location: 12q13.13.
Variant type: single nucleotide variant.
Coding change: c.3404G>A on transcript NM_001330260.2 (MANE Select); coding-DNA position 3404, G replaced by A.
Protein change: p.Ser1135Asn; replaces serine 1135 with asparagine.
Molecular consequence: missense variant.
Genome position (GRCh38, 1-based): chr12:51,769,899, G>A. VCF-style: chr12-51769899-G-A. GRCh37 (hg19) VCF-style: chr12-52163683-G-A.
Other names: c.3404G>A, p.Ser1135Asn (NM_001177984.3, NM_001369788.1, NM_014191.4); short protein forms S1135N.
Identifiers: ClinVar variation 2767102 (VCV002767102.3), dbSNP rs2540268996, ClinGen allele CA384895164.

ClinVar aggregate classification (germline): Uncertain significance (1 of 4 stars; one submission).

Conditions:
Early-infantile DEE. Also called: Ohtahara syndrome; Early infantile epileptic encephalopathy; Early infantile epileptic encephalopathy with suppression bursts. Identifiers: Orphanet 1934, MedGen C0393706, MONDO:0800491.

Submission:

Labcorp Genetics (formerly Invitae), Labcorp
Classification: Uncertain significance for Early-infantile DEE. Last evaluated: 2023-10-09. Review status: criteria provided, single submitter. Criteria: Invitae Variant Classification Sherloc (09022015). Collection method: clinical testing. Allele origin: germline.
Comment: This sequence change replaces serine, which is neutral and polar, with asparagine, which is neutral and polar, at codon 1135 of the SCN8A protein (p.Ser1135Asn). This variant is not present in population databases (gnomAD no frequency). This variant has not been reported in the literature in individuals affected with SCN8A-related conditions. Advanced modeling of protein sequence and biophysical properties (such as structural, functional, and spatial information, amino acid conservation, physicochemical variation, residue mobility, and thermodynamic stability) has been performed at Invitae for this missense variant, however the output from this modeling did not meet the statistical confidence thresholds required to predict the impact of this variant on SCN8A protein function. In summary, the available evidence is currently insufficient to determine the role of this variant in disease. Therefore, it has been classified as a Variant of Uncertain Significance.